The following is an entry in ClinVar:

ClinVar aggregate classification (germline): Uncertain significance (1 of 4 stars; one submission).

Conditions:
Primary ciliary dyskinesia. Also called: Ciliary dyskinesia. Identifiers: Orphanet 244, MedGen C0008780, MONDO:0016575, HP:0012265.

Submission:

Labcorp Genetics (formerly Invitae), Labcorp
Classification: Uncertain significance for Primary ciliary dyskinesia. Last evaluated: 2022-05-21. Review status: criteria provided, single submitter. Criteria: Invitae Variant Classification Sherloc (09022015). Collection method: clinical testing. Allele origin: germline.
Comment: This variant has not been reported in the literature in individuals affected with CCNO-related conditions. In summary, the available evidence is currently insufficient to determine the role of this variant in disease. Therefore, it has been classified as a Variant of Uncertain Significance. Algorithms developed to predict the effect of missense changes on protein structure and function are either unavailable or do not agree on the potential impact of this missense change (SIFT: "Tolerated"; PolyPhen-2: "Probably Damaging"; Align-GVGD: "Class C0"). This variant is not present in population databases (gnomAD no frequency). This sequence change replaces cysteine, which is neutral and slightly polar, with tyrosine, which is neutral and polar, at codon 134 of the CCNO protein (p.Cys134Tyr).

NM_021147.5(CCNO):c.401G>A (p.Cys134Tyr)

Gene: CCNO (cyclin O; minus strand). Cytogenetic location: 5q11.2.
Variant type: single nucleotide variant.
Coding change: c.401G>A on transcript NM_021147.5 (MANE Select); coding-DNA position 401, G replaced by A.
Protein change: p.Cys134Tyr; replaces cysteine 134 with tyrosine.
Molecular consequence: missense variant. On other transcripts: non-coding transcript variant (3).
Genome position (GRCh38, 1-based): chr5:55,232,527, C>T on the plus strand (G>A on the coding strand, the complement: CCNO is on the minus strand). VCF-style: chr5-55232527-C-T. GRCh37 (hg19) VCF-style: chr5-54528355-C-T.
Other names: short protein forms C134Y.
Identifiers: ClinVar variation 1997545 (VCV001997545.4), dbSNP rs2478549509, ClinGen allele CA359723580.